The following is an entry in ClinVar:

NM_212550.5(BLOC1S3):c.195_196insCAGCCG (p.Ser65_Glu66insGlnPro)

Gene: BLOC1S3 (biogenesis of lysosomal organelles complex 1 subunit 3; plus strand). Cytogenetic location: 19q13.32.
Variant type: Insertion.
Coding change: c.195_196insCAGCCG on transcript NM_212550.5 (MANE Select); coding-DNA positions 195 to 196, CAGCCG inserted.
Protein change: p.Ser65_Glu66insGlnPro.
Molecular consequence: inframe insertion.
Genome position: GRCh38 VCF-style: chr19-45179489-T-TCGCAGC. GRCh37 (hg19) VCF-style: chr19-45682747-T-TCGCAGC.
Identifiers: ClinVar variation 4810593 (VCV004810593.1).
Genomic context (GRCh38, chr19:45,179,489, plus strand): 5'-GGCCCGACGCGCGGCCGCCCCACGGGGCTGCGGGTGGCTGGGGAAGCCGCGGAGACCGAC[T>TCGCAGC]CGGAGCCGGAGCCGGAGCCGGAACCGACGGCCGCGCCGAGGGACCTGCCTCCACTCGTGG-3'

ClinVar aggregate classification (germline): Uncertain significance (1 of 4 stars; one submission).

Submission:

Labcorp Genetics (formerly Invitae), Labcorp
Classification: Uncertain significance. Last evaluated: 2025-06-01. Review status: criteria provided, single submitter. Criteria: Invitae Variant Classification Sherloc (09022015). Collection method: clinical testing. Allele origin: germline.
Comment: This variant, c.195_196insCAGCCG, results in the insertion of 2 amino acid(s) of the BLOC1S3 protein (p.Ser65_Glu66insGlnPro), but otherwise preserves the integrity of the reading frame. This variant is present in population databases (no rsID available, gnomAD 0.002%). This variant has not been reported in the literature in individuals affected with BLOC1S3-related conditions. Experimental studies and prediction algorithms are not available or were not evaluated, and the functional significance of this variant is currently unknown. In summary, the available evidence is currently insufficient to determine the role of this variant in disease. Therefore, it has been classified as a Variant of Uncertain Significance.